The following is an entry in ClinVar:

NM_006766.5(KAT6A):c.4529C>T (p.Thr1510Ile)

Gene: KAT6A (lysine acetyltransferase 6A; minus strand). Cytogenetic location: 8p11.21.
Variant type: single nucleotide variant.
Coding change: c.4529C>T on transcript NM_006766.5 (MANE Select); coding-DNA position 4529, C replaced by T.
Protein change: p.Thr1510Ile; replaces threonine 1510 with isoleucine.
Molecular consequence: missense variant.
Genome position (GRCh38, 1-based): chr8:41,933,691, G>A on the plus strand (C>T on the coding strand, the complement: KAT6A is on the minus strand). VCF-style: chr8-41933691-G-A. GRCh37 (hg19) VCF-style: chr8-41791209-G-A.
Other names: short protein forms T1510I.
Identifiers: ClinVar variation 1328779 (VCV001328779.6), dbSNP rs1281540872, ClinGen allele CA371065625.
Genomic context (GRCh38, chr8:41,933,691, plus strand): 5'-CTGGTCTCCATGTTCTGCATAGAGGGTGCGGACAGGGATCCTTGTTCTGGGCTGATCTGG[G>A]TGTAGCCACTCTCAAGGGCAGGCACGTTGGGACTGCTGACCGAACGGACTGACTGGCTGG-3'
Protein context (NP_006757.2, residues 1500-1520): PNVPALESGY[Thr1510Ile]QISPEQGSLS

ClinVar aggregate classification (germline): Conflicting classifications of pathogenicity. Review status: criteria provided, conflicting classifications (1 of 4 stars). 2 submissions from 2 submitters: Uncertain significance (1); Likely benign (1). Last evaluated 2025-02-03.

Allele frequency attached by ClinVar (database versions not stated): gnomAD exomes below 0.00001.
gnomAD v4.1: 3 of 1,614,092 alleles (0.00019%); highest among the groups gnomAD compares: Admixed American, 0.0017%; no homozygotes.

Submissions (2):

Labcorp Genetics (formerly Invitae), Labcorp
Classification: Likely benign. Last evaluated: 2025-02-03. Review status: criteria provided, single submitter. Criteria: Invitae Variant Classification Sherloc (09022015). Collection method: clinical testing. Allele origin: germline.

GeneDx
Classification: Uncertain significance. Last evaluated: 2021-06-17. Review status: criteria provided, single submitter. Criteria: GeneDx Variant Classification Process June 2021. Collection method: clinical testing. Allele origin: germline. Affected: yes.
Comment: Has not been previously published as pathogenic or benign to our knowledge; In silico analysis supports that this missense variant has a deleterious effect on protein structure/function; This variant is associated with the following publications: (PMID: 27535533)